The following is an entry in ClinVar:

ClinVar aggregate classification (germline): Uncertain significance. Review status: criteria provided, multiple submitters, no conflicts (2 of 4 stars). 2 submissions from 2 submitters: Uncertain significance (2). Last evaluated 2025-11-27.

Allele frequency attached by ClinVar (database versions not stated): ExAC 0.00001; gnomAD exomes 0.00001.
gnomAD v4.1: 5 of 1,612,918 alleles (0.00031%); highest among the groups gnomAD compares: Non-Finnish European, 0.00042%; no homozygotes.

Submissions (2):

Dasa
Classification: Uncertain significance. Last evaluated: 2025-11-27. Review status: criteria provided, single submitter. Criteria: DASA Assertion Criteria. Collection method: clinical testing. Allele origin: germline.
Comment: NM_001330700.2(TOP2B):c.4465A>G (p.Ser1489Gly) is a missense variant that results in the substitution of serine with glycine. This variant is rare in population databases. Computational prediction algorithms are consistent with a benign effect. The currently available literature and clinical evidence are not sufficient to establish a definitive association between this variant and the reported condition. Therefore, this variant is classified as a variant of uncertain significance.

Labcorp Genetics (formerly Invitae), Labcorp
Classification: Uncertain significance. Last evaluated: 2024-05-19. Review status: criteria provided, single submitter. Criteria: Invitae Variant Classification Sherloc (09022015). Collection method: clinical testing. Allele origin: germline.
Comment: This sequence change replaces serine, which is neutral and polar, with glycine, which is neutral and non-polar, at codon 1484 of the TOP2B protein (p.Ser1484Gly). This variant is present in population databases (rs749064753, gnomAD 0.003%). This variant has not been reported in the literature in individuals affected with TOP2B-related conditions. Algorithms developed to predict the effect of missense changes on protein structure and function output the following: SIFT: "Not Available"; PolyPhen-2: "Benign"; Align-GVGD: "Not Available". The glycine amino acid residue is found in multiple mammalian species, which suggests that this missense change does not adversely affect protein function. Algorithms developed to predict the effect of sequence changes on RNA splicing suggest that this variant may create or strengthen a splice site. In summary, the available evidence is currently insufficient to determine the role of this variant in disease. Therefore, it has been classified as a Variant of Uncertain Significance.

NM_001330700.2(TOP2B):c.4465A>G (p.Ser1489Gly)

Gene: TOP2B (DNA topoisomerase II beta; minus strand). Cytogenetic location: 3p24.2.
Variant type: single nucleotide variant.
Coding change: c.4465A>G on transcript NM_001330700.2 (MANE Select); coding-DNA position 4465, A replaced by G.
Protein change: p.Ser1489Gly; replaces serine 1489 with glycine.
Molecular consequence: missense variant.
Genome position (GRCh38, 1-based): chr3:25,604,784, T>C on the plus strand (A>G on the coding strand, the complement: TOP2B is on the minus strand). VCF-style: chr3-25604784-T-C. GRCh37 (hg19) VCF-style: chr3-25646275-T-C.
Other names: c.4450A>G, p.Ser1484Gly (NM_001068.3); short protein forms S1489G, S1484G.
Identifiers: ClinVar variation 2963239 (VCV002963239.5), dbSNP rs749064753, ClinGen allele CA2288095.